The following is an entry in ClinVar:

ClinVar aggregate classification (germline): Pathogenic (1 of 4 stars; one submission).

Conditions:
Severe combined immunodeficiency due to IKK2 deficiency. Also called: Immunodeficiency 15; IMMUNODEFICIENCY 15B. Identifiers: Orphanet 397787, MedGen C4747743, MONDO:0014267, OMIM 615592.

Submission:

Labcorp Genetics (formerly Invitae), Labcorp
Classification: Pathogenic for Severe combined immunodeficiency due to IKK2 deficiency. Last evaluated: 2023-03-09. Review status: criteria provided, single submitter. Criteria: Invitae Variant Classification Sherloc (09022015). Collection method: clinical testing. Allele origin: germline.
Comment: Algorithms developed to predict the effect of sequence changes on RNA splicing suggest that this variant may disrupt the consensus splice site. For these reasons, this variant has been classified as Pathogenic. This variant has not been reported in the literature in individuals affected with IKBKB-related conditions. This variant is not present in population databases (gnomAD no frequency). This sequence change creates a premature translational stop signal (p.Val616Glyfs*22) in the IKBKB gene. It is expected to result in an absent or disrupted protein product. Loss-of-function variants in IKBKB are known to be pathogenic (PMID: 24369075, 24679846).

Literature cited by the submitters: PubMed 24369075; PubMed 24679846.

NM_001556.3(IKBKB):c.1847_1848del (p.Val616fs)

Gene: IKBKB (inhibitor of nuclear factor kappa B kinase subunit beta; plus strand). Cytogenetic location: 8p11.21.
Variant type: Microsatellite.
Coding change: c.1847_1848del on transcript NM_001556.3 (MANE Select); coding-DNA positions 1847 to 1848, 2 bases deleted (TG; older notation c.1847_1848delTG).
Protein change: p.Val616fs; shifts the reading frame from valine 616.
Molecular consequence: frameshift variant. On other transcripts: non-coding transcript variant (3).
Genome position (GRCh38, 1-based): chr8:42,322,355-42,322,356, TG deleted; deleting any 2 consecutive bases within chr8:42,322,353-42,322,356 gives the same sequence; the c. name uses the placement nearest the transcript's 3' end. VCF-style (leftmost placement, unchanged base first): chr8-42322352-CTG-C. GRCh37 (hg19) VCF-style: chr8-42179870-CTG-C.
Other names: c.1655_1656del, p.Val552fs (NM_001190720.3); c.1670_1671del, p.Val557fs (NM_001242778.2); short protein forms V557fs, V552fs, V616fs.
Identifiers: ClinVar variation 2844327 (VCV002844327.3), dbSNP rs2487739397, ClinGen allele CA2687101114.